The following is an entry in ClinVar:

ClinVar aggregate classification (germline): Benign/Likely benign. Review status: criteria provided, multiple submitters, no conflicts (2 of 4 stars). 3 submissions from 3 submitters: Benign (1); Likely benign (2). Last evaluated 2025-11-01.

Allele frequency attached by ClinVar (database versions not stated): TOPMed 0.00005; gnomAD 0.00009; gnomAD exomes 0.00018; ExAC 0.00045.

Submissions (3):

CeGaT Center for Human Genetics Tuebingen
Classification: Likely benign. Last evaluated: 2025-11-01. Review status: criteria provided, single submitter. Criteria: CeGaT Center For Human Genetics Tuebingen Variant Classification Criteria Version 2. Collection method: clinical testing. Allele origin: germline. Affected: yes. Observed: 1 variant allele.
Comment: PACS2: BP4, BP7

Labcorp Genetics (formerly Invitae), Labcorp
Classification: Benign. Last evaluated: 2025-07-01. Review status: criteria provided, single submitter. Criteria: Invitae Variant Classification Sherloc (09022015). Collection method: clinical testing. Allele origin: germline.

Blueprint Genetics
Classification: Likely benign. Last evaluated: 2023-03-02. Review status: criteria provided, single submitter. Criteria: ACMG Guidelines, 2015. Collection method: clinical testing. Allele origin: germline.

NM_001100913.3(PACS2):c.321A>G (p.Glu107=)

Gene: PACS2 (phosphofurin acidic cluster sorting protein 2; plus strand). Cytogenetic location: 14q32.33.
Variant type: single nucleotide variant.
Coding change: c.321A>G on transcript NM_001100913.3 (MANE Select); coding-DNA position 321, A replaced by G.
Protein change: p.Glu107=; no amino-acid change (glutamic acid 107 retained).
Molecular consequence: synonymous variant.
Genome position (GRCh38, 1-based): chr14:105,355,075, A>G. VCF-style: chr14-105355075-A-G. GRCh37 (hg19) VCF-style: chr14-105821412-A-G.
Other names: c.120A>G, p.Glu40= (NM_001243127.3); c.321A>G, p.Glu107= (NM_015197.4).
Identifiers: ClinVar variation 2145602 (VCV002145602.11), dbSNP rs782352784, ClinGen allele CA7388343.
Genomic context (GRCh38, chr14:105,355,075, plus strand): 5'-GTGCACCCTCAGCTGCCACTCGCACTTGTGCCCACAGTATCCTCACTTCTTGAAGAGGGA[A>G]GGCAACAAGCTTCAGATCATGCTGCAGCGCAGAAAGCGCTACAAGAACAGAACCATCCTG-3'
Protein context (NP_001094383.2, residues 97-117): SLQYPHFLKR[Glu107=]GNKLQIMLQR